The following is an entry in ClinVar:

NM_005228.5(EGFR):c.1498+6T>C

Gene: EGFR (epidermal growth factor receptor; plus strand). Cytogenetic location: 7p11.2.
Variant type: single nucleotide variant.
Coding change: c.1498+6T>C on transcript NM_005228.5 (MANE Select); 6 bases into the intron after coding-DNA position 1498, T replaced by C.
Molecular consequence: intron variant.
Genome position (GRCh38, 1-based): chr7:55,160,344, T>C. VCF-style: chr7-55160344-T-C. GRCh37 (hg19) VCF-style: chr7-55228037-T-C.
Other names: c.1363+6T>C (NM_001346899.2, NM_001346897.2); c.697+6T>C (NM_001346941.2); c.1498+6T>C (NM_001346898.2, NM_201284.2, NM_201282.2); c.1339+6T>C (NM_001346900.2).
Identifiers: ClinVar variation 1046802 (VCV001046802.8), dbSNP rs1785634636, ClinGen allele CA1708905373.

ClinVar aggregate classification (germline): Uncertain significance (1 of 4 stars; one submission).

Conditions:
EGFR-related lung cancer (EGFR). Identifiers: MedGen CN130014.

Submission:

Labcorp Genetics (formerly Invitae), Labcorp
Classification: Uncertain significance for EGFR-related lung cancer. Last evaluated: 2022-08-09. Review status: criteria provided, single submitter. Criteria: Invitae Variant Classification Sherloc (09022015). Collection method: clinical testing. Allele origin: germline.
Comment: In summary, the available evidence is currently insufficient to determine the role of this variant in disease. Therefore, it has been classified as a Variant of Uncertain Significance. Variants that disrupt the consensus splice site are a relatively common cause of aberrant splicing (PMID: 17576681, 9536098). Algorithms developed to predict the effect of sequence changes on RNA splicing suggest that this variant may disrupt the consensus splice site. ClinVar contains an entry for this variant (Variation ID: 1046802). This variant has not been reported in the literature in individuals affected with EGFR-related conditions. This variant is not present in population databases (gnomAD no frequency). This sequence change falls in intron 12 of the EGFR gene. It does not directly change the encoded amino acid sequence of the EGFR protein. It affects a nucleotide within the consensus splice site.

Literature cited by the submitters: PubMed 17576681; PubMed 9536098.